The following is an entry in ClinVar:

NM_000548.5(TSC2):c.2086_2087del (p.Cys696fs)

Gene: TSC2 (TSC complex subunit 2; plus strand). Cytogenetic location: 16p13.3.
Variant type: Deletion.
Coding change: c.2086_2087del on transcript NM_000548.5 (MANE Select); coding-DNA positions 2086 to 2087, 2 bases deleted (TG; older notation c.2086_2087delTG).
Protein change: p.Cys696fs; shifts the reading frame from cysteine 696.
Molecular consequence: frameshift variant.
Genome position (GRCh38, 1-based): chr16:2,071,923-2,071,924, TG deleted; deleting any 2 consecutive bases within chr16:2,071,922-2,071,924 gives the same sequence; the c. name uses the placement nearest the transcript's 3' end. VCF-style (leftmost placement, unchanged base first): chr16-2071921-AGT-A. GRCh37 (hg19) VCF-style: chr16-2121922-AGT-A.
Other names: c.2086_2087del, p.Cys696fs (NM_001077183.3, NM_001114382.3, NM_001363528.2 and 3 more transcripts); c.1975_1976del, p.Cys659fs (NM_001318827.2); c.1939_1940del, p.Cys647fs (NM_001318829.2); c.1486_1487del, p.Cys496fs (NM_001318831.2); c.2119_2120del, p.Cys707fs (NM_001318832.2); short protein forms C496fs, C647fs, C659fs, C696fs, C707fs.
Identifiers: ClinVar variation 5019945 (VCV005019945.1).

ClinVar aggregate classification (germline): Pathogenic (1 of 4 stars; one submission).

Conditions:
Isolated focal cortical dysplasia type II (FCORD2). Also called: CORTICAL DYSPLASIA OF TAYLOR; Focal cortical dysplasia type II. Identifiers: Orphanet 268994, MedGen C1846385, MONDO:0011818, OMIM 607341, HP:0032051.
Lymphangiomyomatosis (LAM). Also called: Lymphangioleiomyomatosis, somatic; Lymphangioleiomyomatosis. Identifiers: Orphanet 538, MedGen C0751674, MONDO:0011705, OMIM 606690.
Tuberous sclerosis 2 (TSC2). Identifiers: Orphanet 805, MedGen C1860707, MONDO:0013199, OMIM 613254.

Submission:

Juno Genomics, Hangzhou Juno Genomics, Inc
Classification: Pathogenic for Tuberous sclerosis 2; Isolated focal cortical dysplasia type II; Lymphangiomyomatosis. Review status: criteria provided, single submitter. Criteria: ACMG Guidelines, 2015. Collection method: clinical testing. Allele origin: germline. Affected: yes.
Comment: Absent from controls (or at extremely low frequency if recessive) in Genome Aggregation Database.;Null variant in a gene where loss of function (LOF) is a known mechanism of disease.;Patient's phenotype or family history is highly specific for a disease with a single genetic etiology.